The following is an entry in ClinVar:

NM_000179.3(MSH6):c.4002-16_4002-10del

Gene: MSH6 (mutS homolog 6; plus strand). Cytogenetic location: 2p16.3.
Variant type: Deletion.
Coding change: c.4002-16_4002-10del on transcript NM_000179.3 (MANE Select); 16 bases into the intron before coding-DNA position 4002 through 10 bases into the intron before coding-DNA position 4002, 7 bases deleted (TTTTTTT; older notation c.4002-16_4002-10delTTTTTTT).
Molecular consequence: intron variant.
Genome position (GRCh38, 1-based): chr2:47,806,763-47,806,769, TTTTTTT deleted; deleting any 7 consecutive bases within chr2:47,806,752-47,806,769 gives the same sequence; the c. name uses the placement nearest the transcript's 3' end. VCF-style (leftmost placement, unchanged base first): chr2-47806751-CTTTTTTT-C. GRCh37 (hg19) VCF-style: chr2-48033890-CTTTTTTT-C.
Other names: c.4002-16_4002-10del (NM_001406809.1, NM_001406796.1); c.3096-16_3096-10del (NM_001406811.1, NM_001406814.1, NM_001281493.2 and 6 more transcripts); c.3705-16_3705-10del (NM_001406805.1, NM_001406797.1, NM_001406818.1 and 8 more transcripts); c.4098-16_4098-10del (NM_001406795.1); c.3898-16_3898-10del (NM_001406802.1); c.4008-16_4008-10del (NM_001406813.1); c.3477-16_3477-10del (NM_001406807.1, NM_001406799.1, NM_001406806.1); c.4002-21_4002-15del (NM_001406808.1); and 11 more.
Identifiers: ClinVar variation 3572007 (VCV003572007.1).

ClinVar aggregate classification (germline): Uncertain significance (1 of 4 stars; one submission).

Submission:

Quest Diagnostics Nichols Institute San Juan Capistrano
Classification: Uncertain significance. Last evaluated: 2024-01-15. Review status: criteria provided, single submitter. Criteria: Quest Diagnostics criteria. Collection method: clinical testing. Allele origin: unknown.
Comment: The MSH6 c.4002-16_4002-10del variant has not been reported in individuals with MSH6-related conditions in the published literature. The frequency of this variant in the general population, 0.0000072 (1/138394 chromosomes (Genome Aggregation Database)), is uninformative in the assessment of its pathogenicity. Analysis of this variant using software algorithms for the prediction of the effect of nucleotide changes on splicing yielded predictions that this variant does not affect MSH6 mRNA splicing. Based on the available information, we are unable to determine the clinical significance of this variant.